The following is an entry in ClinVar:

NM_016222.4(DDX41):c.844C>G (p.Arg282Gly)

Gene: DDX41 (DEAD-box helicase 41; minus strand). Cytogenetic location: 5q35.3.
Variant type: single nucleotide variant.
Coding change: c.844C>G on transcript NM_016222.4 (MANE Select); coding-DNA position 844, C replaced by G.
Protein change: p.Arg282Gly; replaces arginine 282 with glycine.
Molecular consequence: missense variant.
Genome position (GRCh38, 1-based): chr5:177,514,792, G>C on the plus strand (C>G on the coding strand, the complement: DDX41 is on the minus strand). VCF-style: chr5-177514792-G-C. GRCh37 (hg19) VCF-style: chr5-176941793-G-C.
Other names: c.466C>G, p.Arg156Gly (NM_001321732.2, NM_001321830.2); short protein forms R156G, R282G.
Identifiers: ClinVar variation 2662743 (VCV002662743.1), dbSNP rs764156386, ClinGen allele CA362374866.

ClinVar aggregate classification (germline): Uncertain significance (1 of 4 stars; one submission).

gnomAD v4.1: 9 of 1,612,948 alleles (0.00056%); highest among the groups gnomAD compares: Non-Finnish European, 0.00076%; no homozygotes.

Submission:

GeneDx
Classification: Uncertain significance. Last evaluated: 2023-04-27. Review status: criteria provided, single submitter. Criteria: GeneDx Variant Classification Process June 2021. Collection method: clinical testing. Allele origin: germline. Affected: yes.
Comment: Not observed at significant frequency in large population cohorts (gnomAD); In silico analysis supports that this missense variant does not alter protein structure/function; Has not been previously published as pathogenic or benign to our knowledge; This variant is associated with the following publications: (PMID: 27721487)